The following is an entry in ClinVar:

ClinVar aggregate classification (germline): Uncertain significance (1 of 4 stars; one submission).

Submission:

Ambry Genetics
Classification: Uncertain significance. Last evaluated: 2023-03-27. Review status: criteria provided, single submitter. Criteria: Ambry Variant Classification Scheme 2023. Collection method: clinical testing. Allele origin: germline.
Comment: The p.F3628V variant (also known as c.10882T>G), located in coding exon 76 of the PRKDC gene, results from a T to G substitution at nucleotide position 10882. The phenylalanine at codon 3628 is replaced by valine, an amino acid with highly similar properties. This amino acid position is conserved. In addition, this alteration is predicted to be tolerated by in silico analysis. Since supporting evidence is limited at this time, the clinical significance of this alteration remains unclear.

NM_006904.7(PRKDC):c.10882T>G (p.Phe3628Val)

Gene: PRKDC (protein kinase, DNA-activated, catalytic subunit; minus strand). Cytogenetic location: 8q11.21.
Variant type: single nucleotide variant.
Coding change: c.10882T>G on transcript NM_006904.7 (MANE Select); coding-DNA position 10882, T replaced by G.
Protein change: p.Phe3628Val; replaces phenylalanine 3628 with valine.
Molecular consequence: missense variant.
Genome position (GRCh38, 1-based): chr8:47,788,926, A>C on the plus strand (T>G on the coding strand, the complement: PRKDC is on the minus strand). VCF-style: chr8-47788926-A-C. GRCh37 (hg19) VCF-style: chr8-48701487-A-C.
Other names: c.10882T>G, p.Phe3628Val (NM_001081640.2); short protein forms F3628V.
Identifiers: ClinVar variation 2564509 (VCV002564509.2), dbSNP rs2551861314, ClinGen allele CA371132037.